The following is an entry in ClinVar:

ClinVar aggregate classification (germline): Uncertain significance (1 of 4 stars; one submission).

Conditions:
MRPL17-related condition.

Submission:

PreventionGenetics, part of Exact Sciences
Classification: Uncertain significance for MRPL17-related condition. Last evaluated: 2025-04-29. Review status: criteria provided, single submitter. Criteria: ACMG Guidelines, 2015. Collection method: clinical testing. Allele origin: germline.
Comment: The MRPL17 c.211C>G variant is predicted to result in the amino acid substitution p.Arg71Gly. To our knowledge, this variant has not been reported in the literature or in a large population database (gnomAD), indicating this variant is rare. At this time, the clinical significance of this variant is uncertain due to the absence of conclusive functional and genetic evidence.

NM_022061.4(MRPL17):c.211C>G (p.Arg71Gly)

Gene: MRPL17 (mitochondrial ribosomal protein L17; minus strand). Cytogenetic location: 11p15.4.
Variant type: single nucleotide variant.
Coding change: c.211C>G on transcript NM_022061.4 (MANE Select); coding-DNA position 211, C replaced by G.
Protein change: p.Arg71Gly; replaces arginine 71 with glycine.
Molecular consequence: missense variant.
Genome position (GRCh38, 1-based): chr11:6,682,779, G>C on the plus strand (C>G on the coding strand, the complement: MRPL17 is on the minus strand). VCF-style: chr11-6682779-G-C. GRCh37 (hg19) VCF-style: chr11-6704010-G-C.
Other names: short protein forms R71G.
Identifiers: ClinVar variation 4998031 (VCV004998031.1).